The following is an entry in ClinVar:

NM_007325.5(GRIA3):c.287G>C (p.Arg96Thr)

Gene: GRIA3 (glutamate ionotropic receptor AMPA type subunit 3; plus strand). Cytogenetic location: Xq25.
Variant type: single nucleotide variant.
Coding change: c.287G>C on transcript NM_007325.5 (MANE Select); coding-DNA position 287, G replaced by C.
Protein change: p.Arg96Thr; replaces arginine 96 with threonine.
Molecular consequence: missense variant.
Genome position (GRCh38, 1-based): chrX:123,253,321, G>C. VCF-style: chrX-123253321-G-C. GRCh37 (hg19) VCF-style: chrX-122387172-G-C.
Other names: c.287G>C, p.Arg96Thr (NM_000828.5); short protein forms R96T.
Identifiers: ClinVar variation 2130227 (VCV002130227.4), dbSNP rs764021250, ClinGen allele CA10506880.

ClinVar aggregate classification (germline): Uncertain significance (1 of 4 stars; one submission).

Allele frequency attached by ClinVar (database versions not stated): gnomAD exomes below 0.00001; ExAC 0.00001.
gnomAD v4.1: 3 of 1,209,061 alleles (0.00025%); highest among the groups gnomAD compares: Non-Finnish European, 0.00011%; no homozygotes.

Submission:

Labcorp Genetics (formerly Invitae), Labcorp
Classification: Uncertain significance. Last evaluated: 2024-02-05. Review status: criteria provided, single submitter. Criteria: Invitae Variant Classification Sherloc (09022015). Collection method: clinical testing. Allele origin: germline.
Comment: This sequence change replaces arginine, which is basic and polar, with threonine, which is neutral and polar, at codon 96 of the GRIA3 protein (p.Arg96Thr). This variant is present in population databases (rs764021250, gnomAD 0.01%). This variant has not been reported in the literature in individuals affected with GRIA3-related conditions. ClinVar contains an entry for this variant (Variation ID: 2130227). Advanced modeling of protein sequence and biophysical properties (such as structural, functional, and spatial information, amino acid conservation, physicochemical variation, residue mobility, and thermodynamic stability) performed at Invitae indicates that this missense variant is not expected to disrupt GRIA3 protein function with a negative predictive value of 80%. In summary, the available evidence is currently insufficient to determine the role of this variant in disease. Therefore, it has been classified as a Variant of Uncertain Significance.